The following is an entry in ClinVar:

ClinVar aggregate classification (germline): Conflicting classifications of pathogenicity. Review status: criteria provided, conflicting classifications (1 of 4 stars). 2 submissions from 2 submitters: Uncertain significance (1); Benign (1). Last evaluated 2025-11-22.

Conditions:
Ehlers-Danlos syndrome, classic type, 1 (EDSCL1). Also called: Ehlers-Danlos Syndrome, Classic Type, COL5A1-Related; EHLERS-DANLOS SYNDROME, GRAVIS TYPE; EHLERS-DANLOS SYNDROME, SEVERE CLASSIC TYPE; Ehlers-Danlos syndrome, type 1; EDS I. Identifiers: MedGen C0268335, MONDO:0019567, OMIM 130000.

Allele frequency attached by ClinVar (database versions not stated): gnomAD exomes 0.00003; gnomAD 0.00002; TOPMed 0.00003; ExAC 0.00002.
gnomAD v4.1: 19 of 1,613,678 alleles (0.0012%); highest among the groups gnomAD compares: Admixed American, 0.017%; no homozygotes.

Submissions (2):

Labcorp Genetics (formerly Invitae), Labcorp
Classification: Benign for Ehlers-Danlos syndrome, classic type, 1. Last evaluated: 2025-11-22. Review status: criteria provided, single submitter. Criteria: Invitae Variant Classification Sherloc (09022015). Collection method: clinical testing. Allele origin: germline.

GeneDx
Classification: Uncertain significance. Last evaluated: 2018-02-09. Review status: criteria provided, single submitter. Criteria: GeneDx Variant Classification (06012015). Collection method: clinical testing. Allele origin: germline. Affected: yes.
Comment: The P1780S variant in the COL5A1 gene has not been reported previously as a pathogenic variant, nor as a benign variant, to our knowledge. This variant is observed in 7/33,580 alleles (0.02%) from individuals of Latino background, and 8/245,584 global alleles (0.003%), in large population cohorts (Lek et al., 2016). The P1780S variant is a non-conservative amino acid substitution, which is likely to impact secondary protein structure as these residues differ in polarity, charge, size and/or other properties. In-silico analyses, including protein predictors and evolutionary conservation, support a deleterious effect. We interpret P1780S as a variant of uncertain significance.

NM_000093.5(COL5A1):c.5338C>T (p.Pro1780Ser)

Genes: COL5A1 (collagen type V alpha 1 chain; plus strand), LOC101448202 (uncharacterized LOC101448202; minus strand). Cytogenetic location: 9q34.3.
Variant type: single nucleotide variant.
Coding change: c.5338C>T on transcript NM_000093.5 (MANE Select); coding-DNA position 5338, C replaced by T.
Protein change: p.Pro1780Ser; replaces proline 1780 with serine.
Molecular consequence: missense variant.
Genome position (GRCh38, 1-based): chr9:134,835,172, C>T. VCF-style: chr9-134835172-C-T. GRCh37 (hg19) VCF-style: chr9-137727018-C-T.
Other names: p.P1780S:CCC>TCC; c.5338C>T, p.Pro1780Ser (NM_001278074.1); short protein forms P1780S.
Identifiers: ClinVar variation 213000 (VCV000213000.11), dbSNP rs781230603, ClinGen allele CA322948.
Genomic context (GRCh38, chr9:134,835,172, plus strand): 5'-TACGACAAGGCCCTCCGCTTCCTGGGCTCCAACGACGAGGAGATGTCCTATGACAACAAC[C>T]CCTACATCCGCGCCCTGGTGGACGGCTGTGCTGTGAGTATCCCGCGCCGCGCCCAGCACC-3'
Protein context (NP_000084.3, residues 1770-1790): NDEEMSYDNN[Pro1780Ser]YIRALVDGCA